The following is an entry in ClinVar:

ClinVar aggregate classification (germline): Likely benign (1 of 4 stars; one submission).

Submission:

CeGaT Center for Human Genetics Tuebingen
Classification: Likely benign. Last evaluated: 2024-03-01. Review status: criteria provided, single submitter. Criteria: CeGaT Center For Human Genetics Tuebingen Variant Classification Criteria Version 2. Collection method: clinical testing. Allele origin: germline. Affected: yes. Observed: 1 variant allele.
Comment: PRPF40B: PM2:Supporting, BP4, BP7

NM_001031698.3(PRPF40B):c.1986T>A (p.Ala662=)

Genes: FMNL3 (formin like 3; minus strand), PRPF40B (pre-mRNA processing factor 40B; plus strand). Cytogenetic location: 12q13.12.
Variant type: single nucleotide variant.
Coding change: c.1986T>A on transcript NM_001031698.3 (MANE Select); coding-DNA position 1986, T replaced by A.
Protein change: p.Ala662=; no amino-acid change (alanine 662 retained).
Molecular consequence: synonymous variant. On other transcripts: 3 prime UTR variant (3).
Genome position (GRCh38, 1-based): chr12:49,642,336, T>A. VCF-style: chr12-49642336-T-A. GRCh37 (hg19) VCF-style: chr12-50036119-T-A.
Other names: c.1986T>A, p.Ala662= (NM_001363607.2); c.1956T>A, p.Ala652= (NM_001379030.1); c.1905T>A, p.Ala635= (NM_001379031.1, NM_001379032.1); c.1875T>A, p.Ala625= (NM_001379033.1, NM_001379034.1); c.1794T>A, p.Ala598= (NM_001379035.1, NM_001379036.1); c.1629T>A, p.Ala543= (NM_001379037.1); c.1881T>A, p.Ala627= (NM_012272.3); c.*3591A>T (NM_001367835.1); and 1 more.
Identifiers: ClinVar variation 3234356 (VCV003234356.20), dbSNP rs2547789692, ClinGen allele CA479723859.